The following is an entry in ClinVar:

ClinVar aggregate classification (germline): Uncertain significance (1 of 4 stars; one submission).

Conditions:
Ataxia-telangiectasia syndrome (AT). Also called: Ataxia telangiectasia (A-T); Cerebello-oculocutaneous telangiectasia; Immunodeficiency with ataxia telangiectasia; Ataxia-telangiectasia, complementation group D; Ataxia-telangiectasia, complementation group E; LOUIS-BAR SYNDROME. Identifiers: Orphanet 100, MedGen C0004135, MONDO:0008840, OMIM 208900.

Submission:

Labcorp Genetics (formerly Invitae), Labcorp
Classification: Uncertain significance for Ataxia-telangiectasia syndrome. Last evaluated: 2022-09-06. Review status: criteria provided, single submitter. Criteria: Invitae Variant Classification Sherloc (09022015). Collection method: clinical testing. Allele origin: germline.
Comment: In summary, the available evidence is currently insufficient to determine the role of this variant in disease. Therefore, it has been classified as a Variant of Uncertain Significance. Advanced modeling of protein sequence and biophysical properties (such as structural, functional, and spatial information, amino acid conservation, physicochemical variation, residue mobility, and thermodynamic stability) performed at Invitae indicates that this missense variant is not expected to disrupt ATM protein function. This variant has not been reported in the literature in individuals affected with ATM-related conditions. This variant is not present in population databases (gnomAD no frequency). This sequence change replaces isoleucine, which is neutral and non-polar, with valine, which is neutral and non-polar, at codon 1796 of the ATM protein (p.Ile1796Val).

NM_000051.4(ATM):c.5386A>G (p.Ile1796Val)

Gene: ATM (ATM serine/threonine kinase; plus strand). Cytogenetic location: 11q22.3.
Variant type: single nucleotide variant.
Coding change: c.5386A>G on transcript NM_000051.4 (MANE Select); coding-DNA position 5386, A replaced by G.
Protein change: p.Ile1796Val; replaces isoleucine 1796 with valine.
Molecular consequence: missense variant.
Genome position (GRCh38, 1-based): chr11:108,302,919, A>G. VCF-style: chr11-108302919-A-G. GRCh37 (hg19) VCF-style: chr11-108173646-A-G.
Other names: c.5386A>G, p.Ile1796Val (NM_001351834.2); short protein forms I1796V.
Identifiers: ClinVar variation 1989270 (VCV001989270.4), dbSNP rs2135928520, ClinGen allele CA382543585.
Genomic context (GRCh38, chr11:108,302,919, plus strand): 5'-GAAGTACCCAGATTTGACAAAGAAAACCCTTTTGAAGGCCTGGATGATATAAATCTGTGG[A>G]TTCCTCTAAGTGAAAATCATGACATTTGGATAAAGACACTGACTTGTGCTTTTTTGGACA-3'
Protein context (NP_000042.3, residues 1786-1806): FEGLDDINLW[Ile1796Val]PLSENHDIWI